The following is an entry in ClinVar:

ClinVar aggregate classification (germline): Likely pathogenic (1 of 4 stars; one submission).

Conditions:
Ullrich congenital muscular dystrophy 2 (UCMD2). Identifiers: Orphanet 75840, MedGen C4225314, MONDO:0014654, OMIM 616470.
Bethlem myopathy 2 (BTHLM2). Identifiers: Orphanet 536516, Orphanet 610, MedGen C4225313, MONDO:0034022, OMIM 616471.

Submission:

Labcorp Genetics (formerly Invitae), Labcorp
Classification: Likely pathogenic for Bethlem myopathy 2; Ullrich congenital muscular dystrophy 2. Last evaluated: 2023-06-20. Review status: criteria provided, single submitter. Criteria: Invitae Variant Classification Sherloc (09022015). Collection method: clinical testing. Allele origin: germline.
Comment: In summary, the currently available evidence indicates that the variant is pathogenic, but additional data are needed to prove that conclusively. Therefore, this variant has been classified as Likely Pathogenic. Algorithms developed to predict the effect of sequence changes on RNA splicing suggest that this variant may disrupt the consensus splice site. This variant has not been reported in the literature in individuals affected with COL12A1-related conditions. This variant is not present in population databases (gnomAD no frequency). This sequence change affects a donor splice site in intron 18 of the COL12A1 gene. It is expected to disrupt RNA splicing. Variants that disrupt the donor or acceptor splice site typically lead to a loss of protein function (PMID: 16199547), and loss-of-function variants in COL12A1 are known to be pathogenic (PMID: 24334604, 28973083).

Literature cited by the submitters: PubMed 16199547; PubMed 24334604; PubMed 28973083.

NM_004370.6(COL12A1):c.3715+1G>T

Gene: COL12A1 (collagen type XII alpha 1 chain; minus strand). Cytogenetic location: 6q13.
Variant type: single nucleotide variant.
Coding change: c.3715+1G>T on transcript NM_004370.6 (MANE Select); the canonical splice donor site of the intron after coding-DNA position 3715, G replaced by T.
Molecular consequence: splice donor variant.
Genome position (GRCh38, 1-based): chr6:75,152,332, C>A on the plus strand (G>T on the coding strand, the complement: COL12A1 is on the minus strand). VCF-style: chr6-75152332-C-A. GRCh37 (hg19) VCF-style: chr6-75862048-C-A.
Other names: c.223+1G>T (NM_001424116.1, NM_080645.3); c.3442+1G>T (NM_001424115.1); c.3715+1G>T (NM_001424114.1, NM_001424113.1).
Identifiers: ClinVar variation 2949055 (VCV002949055.3), dbSNP rs2533401869, ClinGen allele CA364749920.